The following is an entry in ClinVar:

ClinVar aggregate classification (germline): Conflicting classifications of pathogenicity. Review status: criteria provided, conflicting classifications (1 of 4 stars). 4 submissions from 4 submitters: Uncertain significance (1); Likely benign (2). 1 of the submissions does not count toward it. Last evaluated 2025-10-01.

Conditions:
CRB2-related disorder. Also called: CRB2-related condition; CRB2-related disorders.

Allele frequency attached by ClinVar (database versions not stated): gnomAD 0.00020 and 0.00032; ESP Exome Variant Server 0.00023; TOPMed 0.00023; 1000 Genomes Project 0.00040; gnomAD exomes 0.00040 and 0.00069; 1000 Genomes Project 30x 0.00047; ExAC 0.00080.
gnomAD v4.1: 634 of 1,613,566 alleles (0.039%); highest among the groups gnomAD compares: South Asian, 0.4%; 5 homozygotes.

Submissions (4):

Labcorp Genetics (formerly Invitae), Labcorp
Classification: Likely benign. Last evaluated: 2025-10-01. Review status: criteria provided, single submitter. Criteria: Invitae Variant Classification Sherloc (09022015). Collection method: clinical testing. Allele origin: germline.

Women's Health and Genetics/Laboratory Corporation of America, LabCorp
Classification: Likely benign. Last evaluated: 2025-06-19. Review status: criteria provided, single submitter. Criteria: LabCorp Variant Classification Summary - May 2015. Collection method: clinical testing. Allele origin: germline.
Comment: Variant summary: CRB2 c.1494G>T (p.Trp498Cys) results in a non-conservative amino acid change located in the Laminin G domain (IPR001791) of the encoded protein sequence. Algorithms developed to predict the effect of missense changes on protein structure and function are either unavailable or do not agree on the potential impact of this missense change. The variant allele was found at a frequency of 0.00039 in 1606594 control chromosomes, predominantly at a frequency of 0.004 within the South Asian subpopulation in the gnomAD database, including 5 homozygotes. The observed variant frequency within South Asian control individuals in the gnomAD database exceeds the estimated maximal expected allele frequency for a pathogenic variant in CRB2 causing Focal Segmental Glomerulosclerosis 9 phenotype. The variant, c.1494G>T, has been observed in homozygous state in two individuals affected with CRB2-related phenotype (i.e. cerebral ventriculomegaly with renal findings), however patients also carried another homozygous missense variant (Lamont_2016). These report(s) do not provide unequivocal conclusions about association of the variant with Focal Segmental Glomerulosclerosis 9. To our knowledge, no experimental evidence demonstrating an impact on protein function has been reported. The following publication have been ascertained in the context of this evaluation (PMID: 27004616). ClinVar contains an entry for this variant (Variation ID: 1336040). Based on the evidence outlined above, the variant was classified as likely benign.

Genetic Services Laboratory, University of Chicago
Classification: Uncertain significance. Last evaluated: 2018-08-21. Review status: criteria provided, single submitter. Criteria: ACMG Guidelines, 2015. Collection method: clinical testing. Allele origin: germline. Affected: no.

PreventionGenetics, part of Exact Sciences
Classification: Likely benign for CRB2-related condition. Last evaluated: 2021-09-09. Review status: no assertion criteria provided. Collection method: clinical testing. Allele origin: germline. Not counted in ClinVar's aggregate classification.
Comment: This variant is classified as likely benign based on ACMG/AMP sequence variant interpretation guidelines (Richards et al. 2015 PMID: 25741868, with internal and published modifications).

Literature cited by the submitters: PubMed 27004616 (cited by Women's Health and Genetics/Laboratory Corporation of America, LabCorp).

NM_173689.7(CRB2):c.1494G>T (p.Trp498Cys)

Gene: CRB2 (crumbs cell polarity complex component 2; plus strand). Cytogenetic location: 9q33.3.
Variant type: single nucleotide variant.
Coding change: c.1494G>T on transcript NM_173689.7 (MANE Select); coding-DNA position 1494, G replaced by T.
Protein change: p.Trp498Cys; replaces tryptophan 498 with cysteine.
Molecular consequence: missense variant. On other transcripts: non-coding transcript variant (1).
Genome position (GRCh38, 1-based): chr9:123,370,547, G>T. VCF-style: chr9-123370547-G-T. GRCh37 (hg19) VCF-style: chr9-126132826-G-T.
Other names: short protein forms W498C.
Identifiers: ClinVar variation 1336040 (VCV001336040.14), dbSNP rs144803819, ClinGen allele CA5231982.